The following is an entry in ClinVar:

NM_001298.3(CNGA3):c.396-4G>A

Gene: CNGA3 (cyclic nucleotide gated channel subunit alpha 3; plus strand). Cytogenetic location: 2q11.2.
Variant type: single nucleotide variant.
Coding change: c.396-4G>A on transcript NM_001298.3 (MANE Select); 4 bases into the intron before coding-DNA position 396, G replaced by A.
Molecular consequence: intron variant.
Genome position (GRCh38, 1-based): chr2:98,383,384, G>A. VCF-style: chr2-98383384-G-A. GRCh37 (hg19) VCF-style: chr2-98999847-G-A.
Other names: c.395+3030G>A (NM_001079878.2).
Identifiers: ClinVar variation 337656 (VCV000337656.19), dbSNP rs114951127, ClinGen allele CA1793728.

ClinVar aggregate classification (germline): Benign/Likely benign. Review status: criteria provided, multiple submitters, no conflicts (2 of 4 stars). 5 submissions from 5 submitters: Benign (1); Likely benign (3). 1 of the submissions does not count toward it. Last evaluated 2026-02-02.

Conditions:
CNGA3-related disorder. Also called: CNGA3-related condition.
Achromatopsia 2 (ACHM2). Also called: COLORBLINDNESS, TOTAL; ROD MONOCHROMACY 2; ROD MONOCHROMATISM 2. Identifiers: Orphanet 49382, MedGen C1857618, MONDO:0009003, OMIM 216900.

Allele frequency attached by ClinVar (database versions not stated): gnomAD 0.00340 and 0.00360; TOPMed 0.00368; ESP Exome Variant Server 0.00454; 1000 Genomes Project 0.00479; 1000 Genomes Project 30x 0.00547.
gnomAD v4.1: 1,883 of 1,613,968 alleles (0.12%); highest among the groups gnomAD compares: African/African-American, 0.91%; 3 homozygotes.

Submissions (5):

Labcorp Genetics (formerly Invitae), Labcorp
Classification: Benign. Last evaluated: 2026-02-02. Review status: criteria provided, single submitter. Criteria: Invitae Variant Classification Sherloc (09022015). Collection method: clinical testing. Allele origin: germline.

Blueprint Genetics
Classification: Likely benign. Last evaluated: 2024-11-13. Review status: criteria provided, single submitter. Criteria: ACMG Guidelines, 2015. Collection method: clinical testing. Allele origin: germline.

Illumina Laboratory Services, Illumina
Classification: Likely benign for Achromatopsia 2. Last evaluated: 2018-01-13. Review status: criteria provided, single submitter. Criteria: ICSL Variant Classification Criteria 13 December 2019. Collection method: clinical testing. Allele origin: germline.
Comment: This variant was observed in the ICSL laboratory as part of a predisposition screen in an ostensibly healthy population. It had not been previously curated by ICSL or reported in the Human Gene Mutation Database (HGMD: prior to June 1st, 2018), and was therefore a candidate for classification through an automated scoring system. Utilizing variant allele frequency, disease prevalence and penetrance estimates, and inheritance mode, an automated score was calculated to assess if this variant is too frequent to cause the disease. Based on the score and internal cut-off values, a variant classified as likely benign is not then subjected to further curation. The score for this variant resulted in a classification of likely benign for this disease.

Breakthrough Genomics
Classification: Likely benign. Review status: criteria provided, single submitter. Criteria: ACMG Guidelines, 2015. Collection method: not provided. Allele origin: germline. Inheritance: Autosomal recessive inheritance. Affected: yes.

PreventionGenetics, part of Exact Sciences
Classification: Benign for CNGA3-related condition. Last evaluated: 2019-06-05. Review status: no assertion criteria provided. Collection method: clinical testing. Allele origin: germline. Not counted in ClinVar's aggregate classification.
Comment: This variant is classified as benign based on ACMG/AMP sequence variant interpretation guidelines (Richards et al. 2015 PMID: 25741868, with internal and published modifications).